The following is an entry in ClinVar:

NM_001384474.1(LOXHD1):c.1432-2A>G

Gene: LOXHD1 (lipoxygenase homology PLAT domains 1; minus strand). Cytogenetic location: 18q21.1.
Variant type: single nucleotide variant.
Coding change: c.1432-2A>G on transcript NM_001384474.1 (MANE Select); the canonical splice acceptor site of the intron before coding-DNA position 1432, A replaced by G.
Molecular consequence: splice acceptor variant.
Genome position (GRCh38, 1-based): chr18:46,592,586, T>C on the plus strand (A>G on the coding strand, the complement: LOXHD1 is on the minus strand). VCF-style: chr18-46592586-T-C. GRCh37 (hg19) VCF-style: chr18-44172549-T-C.
Other names: c.1432-2A>G (NM_144612.7).
Identifiers: ClinVar variation 1349301 (VCV001349301.6), dbSNP rs2144235927, ClinGen allele CA402380547.
Genomic context (GRCh38, chr18:46,592,586, plus strand): 5'-CTCCTTTTATCATGCCATACTCGAATCTTATAAAACCTGCCAAGATCCGGGAGCTCAATC[T>C]ATGGTGAGAAATAAAAACATTTGAGTGGGCATAACTGAAGAAATGTGTTTATTCTCATAG-3'

ClinVar aggregate classification (germline): Likely pathogenic (1 of 4 stars; one submission).

Submission:

Labcorp Genetics (formerly Invitae), Labcorp
Classification: Likely pathogenic. Last evaluated: 2021-09-18. Review status: criteria provided, single submitter. Criteria: Invitae Variant Classification Sherloc (09022015). Collection method: clinical testing. Allele origin: germline.
Comment: This sequence change affects an acceptor splice site in intron 10 of the LOXHD1 gene. It is expected to disrupt RNA splicing. Variants that disrupt the donor or acceptor splice site typically lead to a loss of protein function (PMID: 16199547), and loss-of-function variants in LOXHD1 are known to be pathogenic (PMID: 19732867, 21465660, 25792669). This variant is not present in population databases (ExAC no frequency). This variant has not been reported in the literature in individuals affected with LOXHD1-related conditions. Algorithms developed to predict the effect of sequence changes on RNA splicing suggest that this variant may disrupt the consensus splice site. In summary, the currently available evidence indicates that the variant is pathogenic, but additional data are needed to prove that conclusively. Therefore, this variant has been classified as Likely Pathogenic.

Literature cited by the submitters: PubMed 16199547; PubMed 19732867; PubMed 21465660; PubMed 25792669.